The following is an entry in ClinVar:

ClinVar aggregate classification (germline): Benign/Likely benign. Review status: criteria provided, multiple submitters, no conflicts (2 of 4 stars). 4 submissions from 4 submitters: Benign (2); Likely benign (2). Last evaluated 2025-09-01.

Allele frequency attached by ClinVar (database versions not stated): gnomAD exomes 0.00015; 1000 Genomes Project 30x 0.00016; TOPMed 0.00016; ExAC 0.00030; gnomAD 0.00111 and 0.00124.

Submissions (4):

CeGaT Center for Human Genetics Tuebingen
Classification: Likely benign. Last evaluated: 2025-09-01. Review status: criteria provided, single submitter. Criteria: CeGaT Center For Human Genetics Tuebingen Variant Classification Criteria Version 2. Collection method: clinical testing. Allele origin: germline. Affected: yes. Observed: 2 variant alleles.
Comment: SHANK3: BP4, BP7

Blueprint Genetics
Classification: Likely benign. Last evaluated: 2024-11-14. Review status: criteria provided, single submitter. Criteria: ACMG Guidelines, 2015. Collection method: clinical testing. Allele origin: germline.

GeneDx
Classification: Benign. Last evaluated: 2019-08-26. Review status: criteria provided, single submitter. Criteria: GeneDx Variant Classification Process June 2021. Collection method: clinical testing. Allele origin: germline. Affected: yes.

Breakthrough Genomics
Classification: Benign. Review status: criteria provided, single submitter. Criteria: ACMG Guidelines, 2015. Collection method: not provided. Allele origin: germline. Inheritance: Autosomal dominant inheritance. Affected: yes.

NM_001372044.2(SHANK3):c.1635C>T (p.Ala545=)

Gene: SHANK3 (SH3 and multiple ankyrin repeat domains 3; plus strand). Cytogenetic location: 22q13.33.
Variant type: single nucleotide variant.
Coding change: c.1635C>T on transcript NM_001372044.2 (MANE Select); coding-DNA position 1635, C replaced by T.
Protein change: p.Ala545=; no amino-acid change (alanine 545 retained).
Molecular consequence: synonymous variant.
Genome position (GRCh38, 1-based): chr22:50,697,627, C>T. VCF-style: chr22-50697627-C-T. GRCh37 (hg19) VCF-style: chr22-51136055-C-T.
Other names: c.1410C>T (NM_033517.1).
Identifiers: ClinVar variation 1227172 (VCV001227172.27), dbSNP rs780922475, ClinGen allele CA10325523.